The following is an entry in ClinVar:

ClinVar aggregate classification (germline): Uncertain significance (1 of 4 stars; one submission).

Conditions:
Hereditary cancer-predisposing syndrome. Also called: Neoplastic Syndromes, Hereditary; Hereditary Cancer Syndrome; Tumor predisposition; Hereditary neoplastic syndrome. Identifiers: Orphanet 140162, MedGen C0027672, MeSH D009386, MONDO:0015356.

Submission:

Ambry Genetics
Classification: Uncertain significance for Hereditary cancer-predisposing syndrome. Last evaluated: 2025-03-03. Review status: criteria provided, single submitter. Criteria: Ambry Variant Classification Scheme 2023. Collection method: clinical testing. Allele origin: germline.
Comment: The p.A862S variant (also known as c.2584G>T), located in coding exon 20 of the POLD1 gene, results from a G to T substitution at nucleotide position 2584. The alanine at codon 862 is replaced by serine, an amino acid with similar properties. This amino acid position is well conserved in available vertebrate species. In addition, this alteration is predicted to be tolerated by in silico analysis. Based on the available evidence, the clinical significance of this variant remains unclear.

NM_002691.4(POLD1):c.2584G>T (p.Ala862Ser)

Gene: POLD1 (DNA polymerase delta 1, catalytic subunit; plus strand). Cytogenetic location: 19q13.33.
Variant type: single nucleotide variant.
Coding change: c.2584G>T on transcript NM_002691.4 (MANE Select); coding-DNA position 2584, G replaced by T.
Protein change: p.Ala862Ser; replaces alanine 862 with serine.
Molecular consequence: missense variant. On other transcripts: non-coding transcript variant (1).
Genome position (GRCh38, 1-based): chr19:50,415,457, G>T. VCF-style: chr19-50415457-G-T. GRCh37 (hg19) VCF-style: chr19-50918714-G-T.
Other names: c.2584G>T, p.Ala862Ser (NM_001256849.1); c.2662G>T, p.Ala888Ser (NM_001308632.1); short protein forms A862S, A888S.
Identifiers: ClinVar variation 3781417 (VCV003781417.1).